The following is an entry in ClinVar:

NM_000038.6(APC):c.646-7del

Gene: APC (APC regulator of Wnt signaling pathway; plus strand). Cytogenetic location: 5q22.2.
Variant type: Deletion.
Coding change: c.646-7del on transcript NM_000038.6 (MANE Select); 7 bases into the intron before coding-DNA position 646, one base deleted (A; older notation c.646-7delA).
Molecular consequence: intron variant.
Genome position (GRCh38, 1-based): chr5:112,792,439, A deleted. VCF-style (leftmost placement, unchanged base first): chr5-112792438-TA-T. GRCh37 (hg19) VCF-style: chr5-112128135-TA-T.
Other names: c.-390-7del (NM_001407470.1, NM_001407472.1, NM_001354906.2 and 1 more transcripts); c.646-7del (NM_001407447.1, NM_001354895.2, NM_001407456.1 and 12 more transcripts); c.646-8840del (NM_001407452.1, NM_001407469.1, NM_001354899.2 and 1 more transcripts); c.676-7del (NM_001407446.1, NM_001354897.2, NM_001354902.2); c.676-8840del (NM_001127511.3); c.469-7del (NM_001407453.1, NM_001354900.2, NM_001354901.2 and 1 more transcripts); c.571-7del (NM_001407451.1, NM_001354898.2, NM_001354904.2).
Identifiers: ClinVar variation 3148428 (VCV003148428.1), dbSNP rs2532630942, ClinGen allele CA2825001307.

ClinVar aggregate classification (germline): Likely benign (1 of 4 stars; one submission).

Conditions:
Familial adenomatous polyposis 1 (FAP1). Also called: POLYPOSIS, ADENOMATOUS INTESTINAL; FAMILIAL ADENOMATOUS POLYPOSIS 1, ATTENUATED. Identifiers: MedGen C2713442, MONDO:0021056, OMIM 175100. Disease mechanism: loss of function.

Submission:

Myriad Genetics, Inc.
Classification: Likely benign for Familial adenomatous polyposis 1. Last evaluated: 2024-02-26. Review status: criteria provided, single submitter. Criteria: Myriad Autosomal Dominant, Autosomal Recessive and X-Linked Classification Criteria (2023). Collection method: clinical testing. Allele origin: unknown.
Comment: This variant is considered likely benign. This variant is intronic and is not expected to impact mRNA splicing.